The following is an entry in ClinVar:

NM_152296.5(ATP1A3):c.2501T>C (p.Leu834Ser)

Gene: ATP1A3 (ATPase Na+/K+ transporting subunit alpha 3; minus strand). Cytogenetic location: 19q13.2.
Variant type: single nucleotide variant.
Coding change: c.2501T>C on transcript NM_152296.5 (MANE Select); coding-DNA position 2501, T replaced by C.
Protein change: p.Leu834Ser; replaces leucine 834 with serine.
Molecular consequence: missense variant.
Genome position (GRCh38, 1-based): chr19:41,970,226, A>G on the plus strand (T>C on the coding strand, the complement: ATP1A3 is on the minus strand). VCF-style: chr19-41970226-A-G. GRCh37 (hg19) VCF-style: chr19-42474378-A-G.
Other names: c.2534T>C, p.Leu845Ser (NM_001256213.2); c.2540T>C, p.Leu847Ser (NM_001256214.2); short protein forms L845S, L834S, L847S.
Identifiers: ClinVar variation 3723593 (VCV003723593.2).

ClinVar aggregate classification (germline): Likely pathogenic (1 of 4 stars; one submission).

Conditions:
Dystonia 12 (DYT12). Also called: DYT-ATP1A3; Rapid-Onset Dystonia-Parkinsonism (RDP). Identifiers: Orphanet 71517, MedGen C1868681, MONDO:0007496, OMIM 128235.

Submission:

Labcorp Genetics (formerly Invitae), Labcorp
Classification: Likely pathogenic for Dystonia 12. Last evaluated: 2024-07-31. Review status: criteria provided, single submitter. Criteria: Invitae Variant Classification Sherloc (09022015). Collection method: clinical testing. Allele origin: germline.
Comment: This sequence change replaces leucine, which is neutral and non-polar, with serine, which is neutral and polar, at codon 834 of the ATP1A3 protein (p.Leu834Ser). This variant is not present in population databases (gnomAD no frequency). This missense change has been observed in individuals with alternating hemiplegia of childhood (PMID: 26758322). Advanced modeling of protein sequence and biophysical properties (such as structural, functional, and spatial information, amino acid conservation, physicochemical variation, residue mobility, and thermodynamic stability) performed at Invitae indicates that this missense variant is expected to disrupt ATP1A3 protein function with a positive predictive value of 95%. In summary, the currently available evidence indicates that the variant is pathogenic, but additional data are needed to prove that conclusively. Therefore, this variant has been classified as Likely Pathogenic.

Literature cited by the submitters: PubMed 26758322.